The following is an entry in ClinVar:

ClinVar aggregate classification (germline): Uncertain significance (1 of 4 stars; one submission).

Conditions:
Inborn genetic diseases. Identifiers: MedGen C0950123, MeSH D030342.

Submission:

Ambry Genetics
Classification: Uncertain significance for Inborn genetic diseases. Last evaluated: 2025-06-14. Review status: criteria provided, single submitter. Criteria: Ambry Variant Classification Scheme 2023. Collection method: clinical testing. Allele origin: germline.
Comment: The p.Q1370P variant (also known as c.4109A>C), located in coding exon 1 of the SAMD9L gene, results from an A to C substitution at nucleotide position 4109. The glutamine at codon 1370 is replaced by proline, an amino acid with similar properties. This amino acid position is conserved. In addition, this alteration is predicted to be tolerated by in silico analysis. Based on the available evidence, the clinical significance of this variant remains unclear.

NM_152703.5(SAMD9L):c.4109A>C (p.Gln1370Pro)

Gene: SAMD9L (sterile alpha motif domain containing 9 like; minus strand). Cytogenetic location: 7q21.2.
Variant type: single nucleotide variant.
Coding change: c.4109A>C on transcript NM_152703.5 (MANE Select); coding-DNA position 4109, A replaced by C.
Protein change: p.Gln1370Pro; replaces glutamine 1370 with proline.
Molecular consequence: missense variant.
Genome position (GRCh38, 1-based): chr7:93,131,863, T>G on the plus strand (A>C on the coding strand, the complement: SAMD9L is on the minus strand). VCF-style: chr7-93131863-T-G. GRCh37 (hg19) VCF-style: chr7-92761176-T-G.
Other names: c.4109A>C, p.Gln1370Pro (NM_001303496.3, NM_001303497.3, NM_001303498.3 and 5 more transcripts); short protein forms Q1370P.
Identifiers: ClinVar variation 3950022 (VCV003950022.1).